The following is an entry in ClinVar:

ClinVar aggregate classification (germline): Uncertain significance (1 of 4 stars; one submission).

Conditions:
Wilms tumor 1 (WT1). Also called: Wilms tumor, somatic. Identifiers: Orphanet 654, MedGen CN033288, MONDO:0008679, OMIM 194070.

Allele frequency attached by ClinVar (database versions not stated): gnomAD exomes below 0.00001; gnomAD 0.00001; TOPMed 0.00001.
gnomAD v4.1: 3 of 1,207,952 alleles (0.00025%); highest among the groups gnomAD compares: African/African-American, 0.0053%; no homozygotes.

Submission:

Labcorp Genetics (formerly Invitae), Labcorp
Classification: Uncertain significance for Wilms tumor 1. Last evaluated: 2021-10-10. Review status: criteria provided, single submitter. Criteria: Invitae Variant Classification Sherloc (09022015). Collection method: clinical testing. Allele origin: germline.
Comment: This sequence change replaces glycine with glutamic acid at codon 512 of the GPC3 protein (p.Gly512Glu). The glycine residue is highly conserved and there is a moderate physicochemical difference between glycine and glutamic acid. This variant is not present in population databases (ExAC no frequency). This variant has not been reported in the literature in individuals affected with GPC3-related conditions. Algorithms developed to predict the effect of missense changes on protein structure and function are either unavailable or do not agree on the potential impact of this missense change (SIFT: "Deleterious"; PolyPhen-2: "Benign"; Align-GVGD: "Class C0"). In summary, the available evidence is currently insufficient to determine the role of this variant in disease. Therefore, it has been classified as a Variant of Uncertain Significance.

NM_004484.4(GPC3):c.1535G>A (p.Gly512Glu)

Gene: GPC3 (glypican 3; minus strand). Cytogenetic location: Xq26.2.
Variant type: single nucleotide variant.
Coding change: c.1535G>A on transcript NM_004484.4 (MANE Select); coding-DNA position 1535, G replaced by A.
Protein change: p.Gly512Glu; replaces glycine 512 with glutamic acid.
Molecular consequence: missense variant.
Genome position (GRCh38, 1-based): chrX:133,596,478, C>T on the plus strand (G>A on the coding strand, the complement: GPC3 is on the minus strand). VCF-style: chrX-133596478-C-T. GRCh37 (hg19) VCF-style: chrX-132730506-C-T.
Other names: c.1604G>A, p.Gly535Glu (NM_001164617.2); c.1487G>A, p.Gly496Glu (NM_001164618.2); c.1373G>A, p.Gly458Glu (NM_001164619.2); short protein forms G496E, G458E, G512E, G535E.
Identifiers: ClinVar variation 1511750 (VCV001511750.6), dbSNP rs1162314906, ClinGen allele CA414700876.